The following is an entry in ClinVar:

NM_007294.4(BRCA1):c.4250del (p.Val1417fs)

Gene: BRCA1 (BRCA1 DNA repair associated; minus strand). Cytogenetic location: 17q21.31.
Variant type: Deletion.
Coding change: c.4250del on transcript NM_007294.4 (MANE Select); coding-DNA position 4250, one base deleted (T; older notation c.4250delT).
Protein change: p.Val1417fs; shifts the reading frame from valine 1417.
Molecular consequence: frameshift variant. On other transcripts: non-coding transcript variant (1).
Genome position (GRCh38, 1-based): chr17:43,082,511, A deleted on the plus strand (T on the coding strand, the reverse complement: BRCA1 is on the minus strand). VCF-style (leftmost placement, unchanged base first): chr17-43082510-CA-C. GRCh37 (hg19) VCF-style: chr17-41234527-CA-C.
Other names: c.3914delT, p.Val1305Glyfs (NM_001407952.1, NM_001407953.1, NM_001407954.1 and 3 more transcripts); c.3911delT, p.Val1304Glyfs (NM_001407956.1); c.3869delT, p.Val1290Glyfs (NM_001407959.1, NM_001407960.1); c.3866delT, p.Val1289Glyfs (NM_001407962.1, NM_001407963.1); c.4106delT, p.Val1369Glyfs (NM_001407964.1, NM_001407740.1, NM_001407741.1 and 23 more transcripts); c.3743delT, p.Val1248Glyfs (NM_001407965.1); c.3362delT, p.Val1121Glyfs (NM_001407966.1, NM_001407967.1); c.1646delT, p.Val549Glyfs (NM_001407968.1); and 54 more; short protein forms V314fs, V1417fs, V1370fs.
Identifiers: ClinVar variation 142996 (VCV000142996.16), dbSNP rs587782879, ClinGen allele CA002730.

ClinVar aggregate classification (germline): Pathogenic. Review status: reviewed by expert panel (3 of 4 stars). 4 submissions from 4 submitters: Pathogenic (1). 3 of the submissions do not count toward it. Last evaluated 2016-09-08.

Conditions:
Hereditary cancer-predisposing syndrome. Also called: Tumor predisposition; Hereditary neoplastic syndrome; Hereditary Cancer Syndrome; Neoplastic Syndromes, Hereditary. Identifiers: Orphanet 140162, MedGen C0027672, MeSH D009386, MONDO:0015356.
Hereditary breast ovarian cancer syndrome. Also called: Hereditary breast and/or ovarian cancer syndrome; Breast and ovarian cancer; Hereditary breast and ovarian cancer syndrome; Hereditary breast and ovarian cancer; Hereditary breast and ovarian cancer syndrome (HBOC); BRCA1- and BRCA2-Associated Hereditary Breast and Ovarian Cancer. Identifiers: Orphanet 145, MedGen C0677776, MeSH D061325, MONDO:0003582. Disease mechanism: loss of function.
Breast-ovarian cancer, familial, susceptibility to, 1 (BROVCA1). Also called: BRCA1 Hereditary Breast and Ovarian Cancer; OVARIAN CANCER, SUSCEPTIBILITY TO. Identifiers: Orphanet 145, MedGen C2676676, MONDO:0011450, OMIM 604370. Disease mechanism: loss of function.

Submissions (4):

Evidence-based Network for the Interpretation of Germline Mutant Alleles (ENIGMA)
Classification: Pathogenic for Breast-ovarian cancer, familial, susceptibility to, 1. Last evaluated: 2016-09-08. Review status: reviewed by expert panel. Criteria: ENIGMA BRCA1/2 Classification Criteria (2015). Collection method: curation. Allele origin: germline.
Comment: Variant allele predicted to encode a truncated non-functional protein.

Women's Health and Genetics/Laboratory Corporation of America, LabCorp
Classification: Pathogenic for Hereditary breast ovarian cancer syndrome. Last evaluated: 2021-11-05. Review status: criteria provided, single submitter. Criteria: LabCorp Variant Classification Summary - May 2015. Collection method: clinical testing. Allele origin: germline. Not counted in ClinVar's aggregate classification.
Comment: Variant summary: BRCA1 c.4250delT (p.Val1417GlyfsX2) results in a premature termination codon, predicted to cause a truncation of the encoded protein or absence of the protein due to nonsense mediated decay, which are commonly known mechanisms for disease. Truncations downstream of this position have been classified as pathogenic by our laboratory. The variant was absent in 251432 control chromosomes (gnomAD). c.4250delT has been reported in the literature in individual(s) affected with Hereditary Breast And Ovarian Cancer Syndrome (e.g. Schrader_2016). To our knowledge, no experimental evidence demonstrating an impact on protein function has been reported. Three ClinVar submitters including an expert panel (ENIGMA) (evaluation after 2014) cite the variant as pathogenic. Based on the evidence outlined above, the variant was classified as pathogenic.

Labcorp Genetics (formerly Invitae), Labcorp
Classification: Pathogenic for Hereditary breast ovarian cancer syndrome. Last evaluated: 2020-08-19. Review status: criteria provided, single submitter. Criteria: Invitae Variant Classification Sherloc (09022015). Collection method: clinical testing. Allele origin: germline. Not counted in ClinVar's aggregate classification.
Comment: This sequence change creates a premature translational stop signal (p.Val1417Glyfs*2) in the BRCA1 gene. It is expected to result in an absent or disrupted protein product. For these reasons, this variant has been classified as Pathogenic. Loss-of-function variants in BRCA1 are known to be pathogenic (PMID: 20104584). Algorithms developed to predict the effect of sequence changes on RNA splicing suggest that this variant may create or strengthen a splice site, but this prediction has not been confirmed by published transcriptional studies. This variant has been observed in individual(s) with breast cancer (PMID: 26556299). ClinVar contains an entry for this variant (Variation ID: 142996). This variant is not present in population databases (ExAC no frequency).

Ambry Genetics
Classification: Pathogenic for Hereditary cancer-predisposing syndrome. Last evaluated: 2014-04-03. Review status: criteria provided, single submitter. Criteria: Ambry Autosomal Dominant and X-Linked criteria (10/2015). Collection method: clinical testing. Allele origin: germline. Observed: 1 variant allele. Not counted in ClinVar's aggregate classification.
Comment: Ã¢â‚¬â€¹The c.4250delT pathogenic mutation, located in coding exon 11 of the BRCA1 gene, results from a deletion of one nucleotide at position 4250, causing a translational frameshift with a predicted alternate stop codon. Since frameshifts are typically deleterious in nature, this alteration is interpreted as a disease-causing mutation (ACMG Recommendations for Standards for Interpretation and Reporting of Sequence Variations. Revision 2007. Genet Med. 2008;10:294).

Literature cited by the submitters: PubMed 26556299 (cited by Women's Health and Genetics/Laboratory Corporation of America, LabCorp and Labcorp Genetics (formerly Invitae), Labcorp); PubMed 28152038 (cited by Women's Health and Genetics/Laboratory Corporation of America, LabCorp); PubMed 20104584 (cited by Labcorp Genetics (formerly Invitae), Labcorp).